The following is an entry in ClinVar:

NM_001165963.4(SCN1A):c.1278_1279delinsAA (p.Tyr426_Glu427delinsTer)

Gene: SCN1A (sodium voltage-gated channel alpha subunit 1; minus strand). Cytogenetic location: 2q24.3.
Variant type: Indel.
Coding change: c.1278_1279delinsAA on transcript NM_001165963.4 (MANE Select); coding-DNA positions 1278 to 1279, CG replaced by AA.
Protein change: p.Tyr426_Glu427delinsTer.
Molecular consequence: nonsense. On other transcripts: 5 prime UTR variant (1), non-coding transcript variant (1).
Genome position (GRCh38, 1-based): chr2:166,046,868-166,046,869, CG replaced by TT on the plus strand (CG replaced by AA on the coding strand, the reverse complement: SCN1A is on the minus strand). VCF-style: chr2-166046868-CG-TT. GRCh37 (hg19) VCF-style: chr2-166903378-CG-TT.
Other names: c.1278_1279delinsAA, p.Tyr426_Glu427delinsTer (NM_001165964.3, NM_001202435.3, NM_001353948.2 and 10 more transcripts); c.-1148_-1147delinsAA (NM_001353961.2); short protein forms Y426*.
Identifiers: ClinVar variation 2088406 (VCV002088406.4), dbSNP rs2468181190, ClinGen allele CA2580064372.

ClinVar aggregate classification (germline): Pathogenic (1 of 4 stars; one submission).

Conditions:
Early-infantile DEE. Also called: Ohtahara syndrome; Early infantile epileptic encephalopathy with suppression bursts; Early infantile epileptic encephalopathy. Identifiers: Orphanet 1934, MedGen C0393706, MONDO:0800491.

Submission:

Labcorp Genetics (formerly Invitae), Labcorp
Classification: Pathogenic for Early-infantile DEE. Last evaluated: 2022-01-20. Review status: criteria provided, single submitter. Criteria: Invitae Variant Classification Sherloc (09022015). Collection method: clinical testing. Allele origin: germline.
Comment: For these reasons, this variant has been classified as Pathogenic. This premature translational stop signal has been observed in individual(s) with clinical features of SCN1A-related conditions (PMID: 29778030). Information on the frequency of this variant in the gnomAD database is not available, as this variant may be reported differently in the database. This sequence change creates a premature translational stop signal (p.Tyr426*) in the SCN1A gene. It is expected to result in an absent or disrupted protein product. Loss-of-function variants in SCN1A are known to be pathogenic (PMID: 17347258, 18930999).

Literature cited by the submitters: PubMed 29778030; PubMed 17347258; PubMed 18930999.